The following is an entry in ClinVar:

NM_001393769.1(MED12L):c.1489C>G (p.Gln497Glu)

Gene: MED12L (mediator complex subunit 12L; plus strand). Cytogenetic location: 3q25.1.
Variant type: single nucleotide variant.
Coding change: c.1489C>G on transcript NM_001393769.1 (MANE Select); coding-DNA position 1489, C replaced by G.
Protein change: p.Gln497Glu; replaces glutamine 497 with glutamic acid.
Molecular consequence: missense variant.
Genome position (GRCh38, 1-based): chr3:151,165,977, C>G. VCF-style: chr3-151165977-C-G. GRCh37 (hg19) VCF-style: chr3-150883764-C-G.
Other names: c.1489C>G, p.Gln497Glu (NM_053002.6); short protein forms Q497E.
Identifiers: ClinVar variation 4540130 (VCV004540130.1).

ClinVar aggregate classification (germline): Uncertain significance (1 of 4 stars; one submission).

Submission:

GeneDx
Classification: Uncertain significance. Last evaluated: 2025-06-23. Review status: criteria provided, single submitter. Criteria: GeneDx Variant Classification Process June 2021. Collection method: clinical testing. Allele origin: germline. Affected: yes.
Comment: Not observed at significant frequency in large population cohorts (gnomAD); In silico analysis suggests that this missense variant does not alter protein structure/function; Has not been previously published as pathogenic or benign to our knowledge